The following is an entry in ClinVar:

ClinVar aggregate classification (germline): Pathogenic (1 of 4 stars; one submission).

Conditions:
Neurometabolic disorder due to serine deficiency. Identifiers: Orphanet 35705, MedGen C5680148, MONDO:0018162.

Submission:

Myriad Genetics, Inc.
Classification: Pathogenic for Neurometabolic disorder due to serine deficiency. Last evaluated: 2024-05-14. Review status: criteria provided, single submitter. Criteria: Myriad Autosomal Dominant, Autosomal Recessive and X-Linked Classification Criteria (2023). Collection method: clinical testing. Allele origin: unknown.
Comment: NM_006623.3(PHGDH):c.849_850ins16(L284Cfs*116) is expected to be pathogenic in the context of serine deficiency disorder, PHGDH-related. This variant is predicted to lead to an abnormal or absent protein product due to the creation of a premature termination codon in PHGDH, a gene where loss-of-function variants are known to be pathogenic. Please note: this variant was assessed in the context of healthy population screening.

NM_006623.4(PHGDH):c.849_850insTGTCTCTTATACACAT (p.Leu284fs)

Gene: PHGDH (phosphoglycerate dehydrogenase; plus strand). Cytogenetic location: 1p12.
Variant type: Insertion.
Coding change: c.849_850insTGTCTCTTATACACAT on transcript NM_006623.4 (MANE Select); coding-DNA positions 849 to 850, TGTCTCTTATACACAT inserted.
Protein change: p.Leu284fs; shifts the reading frame from leucine 284.
Molecular consequence: frameshift variant.
Genome position: GRCh38 VCF-style: chr1-119737170-C-CTGTCTCTTATACACAT. GRCh37 (hg19) VCF-style: chr1-120279793-C-CTGTCTCTTATACACAT.
Other names: short protein forms L284fs.
Identifiers: ClinVar variation 5011179 (VCV005011179.1).